The following is an entry in ClinVar:

ClinVar aggregate classification (germline): Uncertain significance (1 of 4 stars; one submission).

Allele frequency attached by ClinVar (database versions not stated): TOPMed 0.00003; gnomAD 0.00002; gnomAD exomes below 0.00001; ExAC 0.00001.
gnomAD v4.1: 10 of 1,614,032 alleles (0.00062%); highest among the groups gnomAD compares: East Asian, 0.0022%; no homozygotes.

Submission:

Labcorp Genetics (formerly Invitae), Labcorp
Classification: Uncertain significance. Last evaluated: 2021-08-24. Review status: criteria provided, single submitter. Criteria: Invitae Variant Classification Sherloc (09022015). Collection method: clinical testing. Allele origin: germline.
Comment: This sequence change replaces leucine with phenylalanine at codon 499 of the CYP4V2 protein (p.Leu499Phe). The leucine residue is highly conserved and there is a small physicochemical difference between leucine and phenylalanine. This variant is present in population databases (rs761881255, ExAC 0.001%). This variant has not been reported in the literature in individuals affected with CYP4V2-related conditions. Algorithms developed to predict the effect of missense changes on protein structure and function are either unavailable or do not agree on the potential impact of this missense change (SIFT: "Deleterious"; PolyPhen-2: "Probably Damaging"; Align-GVGD: "Class C0"). In summary, the available evidence is currently insufficient to determine the role of this variant in disease. Therefore, it has been classified as a Variant of Uncertain Significance.

NM_207352.4(CYP4V2):c.1495C>T (p.Leu499Phe)

Gene: CYP4V2 (cytochrome P450 family 4 subfamily V member 2; plus strand). Cytogenetic location: 4q35.2.
Variant type: single nucleotide variant.
Coding change: c.1495C>T on transcript NM_207352.4 (MANE Select); coding-DNA position 1495, C replaced by T.
Protein change: p.Leu499Phe; replaces leucine 499 with phenylalanine.
Molecular consequence: missense variant.
Genome position (GRCh38, 1-based): chr4:186,210,558, C>T. VCF-style: chr4-186210558-C-T. GRCh37 (hg19) VCF-style: chr4-187131712-C-T.
Other names: short protein forms L499F.
Identifiers: ClinVar variation 1007391 (VCV001007391.6), dbSNP rs761881255, ClinGen allele CA3162881.